The following is an entry in ClinVar:

NM_001080449.3(DNA2):c.2338C>T (p.Arg780Trp)

Gene: DNA2 (DNA replication helicase/nuclease 2; minus strand). Cytogenetic location: 10q21.3.
Variant type: single nucleotide variant.
Coding change: c.2338C>T on transcript NM_001080449.3 (MANE Select); coding-DNA position 2338, C replaced by T.
Protein change: p.Arg780Trp; replaces arginine 780 with tryptophan.
Molecular consequence: missense variant. On other transcripts: non-coding transcript variant (1).
Genome position (GRCh38, 1-based): chr10:68,422,761, G>A on the plus strand (C>T on the coding strand, the complement: DNA2 is on the minus strand). VCF-style: chr10-68422761-G-A. GRCh37 (hg19) VCF-style: chr10-70182518-G-A.
Other names: short protein forms R780W.
Identifiers: ClinVar variation 1937420 (VCV001937420.5), dbSNP rs1003323248, ClinGen allele CA208194599.

ClinVar aggregate classification (germline): Uncertain significance (1 of 4 stars; one submission).

Allele frequency attached by ClinVar (database versions not stated): gnomAD exomes 0.00001; gnomAD 0.00002; TOPMed 0.00002.
gnomAD v4.1: 15 of 1,605,372 alleles (0.00093%); highest among the groups gnomAD compares: Admixed American, 0.0069%; no homozygotes.

Submission:

Labcorp Genetics (formerly Invitae), Labcorp
Classification: Uncertain significance. Last evaluated: 2025-11-04. Review status: criteria provided, single submitter. Criteria: Invitae Variant Classification Sherloc (09022015). Collection method: clinical testing. Allele origin: germline.
Comment: This sequence change replaces arginine, which is basic and polar, with tryptophan, which is neutral and slightly polar, at codon 780 of the DNA2 protein (p.Arg780Trp). This variant is present in population databases (no rsID available, gnomAD 0.006%). This variant has not been reported in the literature in individuals affected with DNA2-related conditions. ClinVar contains an entry for this variant (Variation ID: 1937420). Invitae Evidence Modeling of protein sequence and biophysical properties (such as structural, functional, and spatial information, amino acid conservation, physicochemical variation, residue mobility, and thermodynamic stability) indicates that this missense variant is not expected to disrupt DNA2 protein function with a negative predictive value of 80%. In summary, the available evidence is currently insufficient to determine the role of this variant in disease. Therefore, it has been classified as a Variant of Uncertain Significance.